The following is an entry in ClinVar:

NM_004612.4(TGFBR1):c.997G>A (p.Asp333Asn)

Gene: TGFBR1 (transforming growth factor beta receptor 1; plus strand). Cytogenetic location: 9q22.33.
Variant type: single nucleotide variant.
Coding change: c.997G>A on transcript NM_004612.4 (MANE Select); coding-DNA position 997, G replaced by A.
Protein change: p.Asp333Asn; replaces aspartic acid 333 with asparagine.
Molecular consequence: missense variant. On other transcripts: non-coding transcript variant (4).
Genome position (GRCh38, 1-based): chr9:99,144,755, G>A. VCF-style: chr9-99144755-G-A. GRCh37 (hg19) VCF-style: chr9-101907037-G-A.
Other names: c.766G>A, p.Asp256Asn (NM_001130916.3, NM_001407435.1); c.1009G>A, p.Asp337Asn (NM_001306210.2); c.841G>A, p.Asp281Asn (NM_001407416.1); c.829G>A, p.Asp277Asn (NM_001407417.1); c.802G>A, p.Asp268Asn (NM_001407418.1, NM_001407419.1, NM_001407420.1 and 1 more transcripts); c.790G>A, p.Asp264Asn (NM_001407423.1, NM_001407424.1, NM_001407425.1 and 8 more transcripts); c.751G>A, p.Asp251Asn (NM_001407436.1); c.289G>A, p.Asp97Asn (NM_001407437.1); and 1 more; short protein forms D174N, D251N, D256N, D264N, D268N, D277N, D281N, D333N.
Identifiers: ClinVar variation 3252841 (VCV003252841.2), dbSNP rs2118804089.
Genomic context (GRCh38, chr9:99,144,755, plus strand): 5'-CCTTTTAAGCAGTCATGTTTAATTTTTGATTCTTTAGGAAAGCCAGCCATTGCTCATAGA[G>A]ATTTGAAATCAAAGAATATCTTGGTAAAGAAGAATGGAACTTGCTGTATTGCAGACTTAG-3'
Protein context (NP_004603.1, residues 323-343): TQGKPAIAHR[Asp333Asn]LKSKNILVKK

ClinVar aggregate classification (germline): Likely pathogenic (1 of 4 stars; one submission).

Submission:

GeneDx
Classification: Likely pathogenic. Last evaluated: 2025-01-21. Review status: criteria provided, single submitter. Criteria: GeneDx Variant Classification Process June 2021. Collection method: clinical testing. Allele origin: germline.
Comment: In silico analysis supports that this missense variant has a deleterious effect on protein structure/function; Not observed at significant frequency in large population cohorts (gnomAD); This variant is associated with the following publications: (PMID: 31915033, 37098118)